The following is an entry in ClinVar:

Single allele

Gene: DMD (dystrophin; minus strand). Cytogenetic location: Xp21.1.
Variant type: Deletion.
Identifiers: ClinVar variation 3781332 (VCV003781332.1).

ClinVar aggregate classification (germline): Likely benign (0 of 4 stars; one submission).

Conditions:
Duchenne muscular dystrophy (DMD). Also called: Duchenne Muscular Dystrophy (DMD); MUSCULAR DYSTROPHY, PSEUDOHYPERTROPHIC PROGRESSIVE, DUCHENNE TYPE. Identifiers: Orphanet 98896, MedGen C0013264, MONDO:0010679, OMIM 310200.

Submission:

Medical Genetic Diagnosis and Therapy Center, Fujian Medical University
Classification: Likely benign for Duchenne muscular dystrophy. Review status: no assertion criteria provided. Collection method: clinical testing. Allele origin: germline. Affected: no.
Comment: Our results showed the deletion of DMD exons 48–55, which was predicted to be in-frame by the reading frame rule.